The following is an entry in ClinVar:

ClinVar aggregate classification (germline): Uncertain significance (1 of 4 stars; one submission).

Conditions:
Cardiovascular phenotype. Identifiers: MedGen CN230736.

gnomAD v4.1: 5 of 1,613,952 alleles (0.00031%); highest among the groups gnomAD compares: Non-Finnish European, 0.00025%; no homozygotes.

Submission:

Ambry Genetics
Classification: Uncertain significance for Cardiovascular phenotype. Last evaluated: 2025-05-30. Review status: criteria provided, single submitter. Criteria: Ambry Variant Classification Scheme 2023. Collection method: clinical testing. Allele origin: germline.
Comment: The p.R76L variant (also known as c.227G>T), located in coding exon 2 of the LCAT gene, results from a G to T substitution at nucleotide position 227. The arginine at codon 76 is replaced by leucine, an amino acid with dissimilar properties. This amino acid position is conserved. In addition, the in silico prediction for this alteration is inconclusive. Based on the available evidence, the clinical significance of this variant remains unclear.

NM_000229.2(LCAT):c.227G>T (p.Arg76Leu)

Gene: LCAT (lecithin-cholesterol acyltransferase; minus strand). Cytogenetic location: 16q22.1.
Variant type: single nucleotide variant.
Coding change: c.227G>T on transcript NM_000229.2 (MANE Select); coding-DNA position 227, G replaced by T.
Protein change: p.Arg76Leu; replaces arginine 76 with leucine.
Molecular consequence: missense variant.
Genome position (GRCh38, 1-based): chr16:67,943,140, C>A on the plus strand (G>T on the coding strand, the complement: LCAT is on the minus strand). VCF-style: chr16-67943140-C-A. GRCh37 (hg19) VCF-style: chr16-67977043-C-A.
Other names: short protein forms R76L.
Identifiers: ClinVar variation 4046475 (VCV004046475.1).
Genomic context (GRCh38, chr16:67,943,140, plus strand): 5'-ACCCCAAGGGGTAGGAACATGTTGAGATCCAGCCAGATGGTGAAGAAGTCCTCTGTCTTG[C>A]GGTAGCACATCCAGTTCACCACATCTGGTTTGTCCAGCTTGGCTTCTAGCTGATTCCCCA-3'
Protein context (NP_000220.1, residues 66-86): KPDVVNWMCY[Arg76Leu]KTEDFFTIWL